The following is an entry in ClinVar:

ClinVar aggregate classification (germline): Uncertain significance (0 of 4 stars; one submission).

Allele frequency attached by ClinVar (database versions not stated): gnomAD exomes below 0.00001.
gnomAD v4.1: 1 of 1,613,360 alleles (0.000062%); highest among the groups gnomAD compares: Non-Finnish European, 0.000085%; no homozygotes.

Submission:

Martin Pollak Laboratory,  Beth Israel Deaconess Medical Center
Classification: Uncertain significance. Review status: no assertion criteria provided. Collection method: not provided. Allele origin: unknown.
Comment: Lower UCa2+ group
ClinVar note: Converted during submission from unknown to Uncertain significance.

NM_032387.5(WNK4):c.2577C>T (p.Thr859=)

Gene: WNK4 (WNK lysine deficient protein kinase 4; plus strand). Cytogenetic location: 17q21.2.
Variant type: single nucleotide variant.
Coding change: c.2577C>T on transcript NM_032387.5 (MANE Select); coding-DNA position 2577, C replaced by T.
Protein change: p.Thr859=; no amino-acid change (threonine 859 retained).
Molecular consequence: synonymous variant.
Genome position (GRCh38, 1-based): chr17:42,794,998, C>T. VCF-style: chr17-42794998-C-T. GRCh37 (hg19) VCF-style: chr17-40947016-C-T.
Other names: c.1569C>T, p.Thr523= (NM_001321299.2).
Identifiers: ClinVar variation 64600 (VCV000064600.2), dbSNP rs387907558, ClinGen allele CA216486.